The following is an entry in ClinVar:

ClinVar aggregate classification (germline): Uncertain significance (1 of 4 stars; one submission).

Conditions:
Rolandic epilepsy, impaired intellectual development, and speech dyspraxia, X-linked. Also called: Rolandic epilepsy, intellectual disability, and speech dyspraxia, X-linked; Rolandic epilepsy, impaired intellectual development, and speech dyspraxia. Identifiers: MedGen C1845070, MONDO:0010388, OMIM 300643.

Allele frequency attached by ClinVar (database versions not stated): gnomAD 0.00001; TOPMed below 0.00001; gnomAD exomes 0.00003.
gnomAD v4.1: 32 of 1,210,433 alleles (0.0026%); highest among the groups gnomAD compares: Non-Finnish European, 0.0036%; no homozygotes.

Submission:

Labcorp Genetics (formerly Invitae), Labcorp
Classification: Uncertain significance for Rolandic epilepsy, impaired intellectual development, and speech dyspraxia, X-linked. Last evaluated: 2019-06-20. Review status: criteria provided, single submitter. Criteria: Invitae Variant Classification Sherloc (09022015). Collection method: clinical testing. Allele origin: germline.
Comment: This sequence change replaces tyrosine with histidine at codon 248 of the SRPX2 protein (p.Tyr248His). The tyrosine residue is highly conserved and there is a moderate physicochemical difference between tyrosine and histidine. This variant is not present in population databases (ExAC no frequency). This variant has not been reported in the literature in individuals with a SRPX2-related disease. Algorithms developed to predict the effect of missense changes on protein structure and function (SIFT, PolyPhen-2, Align-GVGD) all suggest that this variant is likely to be tolerated, but these predictions have not been confirmed by published functional studies and their clinical significance is uncertain. In summary, this variant has uncertain impact on SRPX2 function. The available evidence is currently insufficient to determine its role in disease. Therefore, it has been classified as a Variant of Uncertain Significance.

NM_014467.3(SRPX2):c.742T>C (p.Tyr248His)

Gene: SRPX2 (sushi repeat containing protein X-linked 2; plus strand). Cytogenetic location: Xq22.1.
Variant type: single nucleotide variant.
Coding change: c.742T>C on transcript NM_014467.3 (MANE Select); coding-DNA position 742, T replaced by C.
Protein change: p.Tyr248His; replaces tyrosine 248 with histidine.
Molecular consequence: missense variant.
Genome position (GRCh38, 1-based): chrX:100,665,618, T>C. VCF-style: chrX-100665618-T-C. GRCh37 (hg19) VCF-style: chrX-99920615-T-C.
Other names: short protein forms Y248H.
Identifiers: ClinVar variation 465071 (VCV000465071.11), dbSNP rs1208754092, ClinGen allele CA413936280.